The following is an entry in ClinVar:

ClinVar aggregate classification (germline): Uncertain significance. Review status: criteria provided, multiple submitters, no conflicts (2 of 4 stars). 3 submissions from 3 submitters: Uncertain significance (2). 1 of the submissions does not count toward it. Last evaluated 2025-07-03.

Conditions:
Retinal dystrophy. Also called: Inherited retinal dystrophy. Identifiers: Orphanet 71862, MedGen C0854723, MeSH D058499, MONDO:0019118, HP:0000556.

Allele frequency attached by ClinVar (database versions not stated): gnomAD 0.00001; gnomAD exomes 0.00001; ExAC 0.00002; TOPMed 0.00002.
gnomAD v4.1: 16 of 1,613,538 alleles (0.00099%); highest among the groups gnomAD compares: African/African-American, 0.0027%; no homozygotes.

Submissions (3):

Labcorp Genetics (formerly Invitae), Labcorp
Classification: Uncertain significance. Last evaluated: 2025-07-03. Review status: criteria provided, single submitter. Criteria: Invitae Variant Classification Sherloc (09022015). Collection method: clinical testing. Allele origin: germline.
Comment: This sequence change replaces arginine, which is basic and polar, with tryptophan, which is neutral and slightly polar, at codon 41 of the LRP5 protein (p.Arg41Trp). The frequency data for this variant in the population databases is considered unreliable, as metrics indicate poor data quality at this position in the gnomAD database. This missense change has been observed in individual(s) with familial exudative vitreoretinopathy (PMID: 27208204, 30452590, 34526760). In at least one individual the data is consistent with being in trans (on the opposite chromosome) from a pathogenic variant. ClinVar contains an entry for this variant (Variation ID: 236428). Invitae Evidence Modeling of protein sequence and biophysical properties (such as structural, functional, and spatial information, amino acid conservation, physicochemical variation, residue mobility, and thermodynamic stability) indicates that this missense variant is not expected to disrupt LRP5 protein function with a negative predictive value of 95%. In summary, the available evidence is currently insufficient to determine the role of this variant in disease. Therefore, it has been classified as a Variant of Uncertain Significance.

Blueprint Genetics
Classification: Uncertain significance. Last evaluated: 2022-07-07. Review status: criteria provided, single submitter. Criteria: ACMG Guidelines, 2015. Collection method: clinical testing. Allele origin: germline.

Centre for Genomic Medicine, Manchester, Central Manchester University Hospitals
Classification: Uncertain significance for Retinal dystrophy. Review status: no assertion criteria provided. Collection method: clinical testing. Allele origin: germline. Affected: yes. Not counted in ClinVar's aggregate classification.

Literature cited by the submitters: PubMed 27208204 (cited by Labcorp Genetics (formerly Invitae), Labcorp); PubMed 30452590 (cited by Labcorp Genetics (formerly Invitae), Labcorp); PubMed 34526760 (cited by Labcorp Genetics (formerly Invitae), Labcorp).

NM_002335.4(LRP5):c.121C>T (p.Arg41Trp)

Gene: LRP5 (LDL receptor related protein 5; plus strand). Cytogenetic location: 11q13.2.
Variant type: single nucleotide variant.
Coding change: c.121C>T on transcript NM_002335.4 (MANE Select); coding-DNA position 121, C replaced by T.
Protein change: p.Arg41Trp; replaces arginine 41 with tryptophan.
Molecular consequence: missense variant. On other transcripts: 5 prime UTR variant (1).
Genome position (GRCh38, 1-based): chr11:68,347,876, C>T. VCF-style: chr11-68347876-C-T. GRCh37 (hg19) VCF-style: chr11-68115344-C-T.
Other names: c.-1645C>T (NM_001291902.2); short protein forms R41W.
Identifiers: ClinVar variation 236428 (VCV000236428.12), dbSNP rs745454417, ClinGen allele CA6148911.